The following is an entry in ClinVar:

ClinVar aggregate classification (germline): Uncertain significance (1 of 4 stars; one submission).

Conditions:
Cardiovascular phenotype. Identifiers: MedGen CN230736.

Submission:

Ambry Genetics
Classification: Uncertain significance for Cardiovascular phenotype. Last evaluated: 2022-04-23. Review status: criteria provided, single submitter. Criteria: Ambry Variant Classification Scheme 2023. Collection method: clinical testing. Allele origin: germline.
Comment: The p.I3856F variant (also known as c.11566A>T), located in coding exon 26 of the APOB gene, results from an A to T substitution at nucleotide position 11566. The isoleucine at codon 3856 is replaced by phenylalanine, an amino acid with highly similar properties. This amino acid position is conserved. In addition, this alteration is predicted to be tolerated by in silico analysis. Since supporting evidence is limited at this time, the clinical significance of this alteration remains unclear.

NM_000384.3(APOB):c.11566A>T (p.Ile3856Phe)

Gene: APOB (apolipoprotein B; minus strand). Cytogenetic location: 2p24.1.
Variant type: single nucleotide variant.
Coding change: c.11566A>T on transcript NM_000384.3 (MANE Select); coding-DNA position 11566, A replaced by T.
Protein change: p.Ile3856Phe; replaces isoleucine 3856 with phenylalanine.
Molecular consequence: missense variant.
Genome position (GRCh38, 1-based): chr2:21,005,302, T>A on the plus strand (A>T on the coding strand, the complement: APOB is on the minus strand). VCF-style: chr2-21005302-T-A. GRCh37 (hg19) VCF-style: chr2-21228174-T-A.
Other names: short protein forms I3856F.
Identifiers: ClinVar variation 1735348 (VCV001735348.2), dbSNP rs2465356480, ClinGen allele CA345978030.